The following is an entry in ClinVar:

ClinVar aggregate classification (germline): Pathogenic/Likely pathogenic. Review status: criteria provided, multiple submitters, no conflicts (2 of 4 stars). 4 submissions from 4 submitters: Pathogenic (1); Likely pathogenic (3). Last evaluated 2025-12-04.

Conditions:
Global developmental delay with speech and behavioral abnormalities. Identifiers: MedGen C5543226, MONDO:0030995, OMIM 619243.
Inborn genetic diseases. Identifiers: MedGen C0950123, MeSH D030342.

Allele frequency attached by ClinVar (database versions not stated): gnomAD exomes below 0.00001.
gnomAD v4.1: 2 of 1,612,284 alleles (0.00012%); highest among the groups gnomAD compares: Non-Finnish European, 0.000085%; no homozygotes.

Submissions (4):

GeneDx
Classification: Likely pathogenic. Last evaluated: 2025-12-04. Review status: criteria provided, single submitter. Criteria: GeneDx Variant Classification Process June 2021. Collection method: clinical testing. Allele origin: germline.
Comment: Nonsense variant predicted to result in protein truncation or nonsense mediated decay in a gene for which loss of function is a known mechanism of disease; Not observed at significant frequency in large population cohorts (gnomAD); Has not been previously published as pathogenic or benign to our knowledge

Greenwood Genetic Center Diagnostic Laboratories, Greenwood Genetic Center
Classification: Likely pathogenic for Global developmental delay with speech and behavioral abnormalities. Last evaluated: 2024-10-17. Review status: criteria provided, single submitter. Criteria: ACMG Guidelines, 2015. Collection method: clinical testing. Allele origin: germline. Affected: yes.
Comment: PVS1, PM2

Laboratorio de Genetica e Diagnostico Molecular, Hospital Israelita Albert Einstein
Classification: Likely pathogenic for Global developmental delay with speech and behavioral abnormalities. Last evaluated: 2024-02-29. Review status: criteria provided, single submitter. Criteria: ACMG Guidelines, 2015. Collection method: clinical testing. Allele origin: germline. Affected: yes.
Comment: ACMG classification criteria: PVS1 very strong, PM2 supporting

Ambry Genetics
Classification: Pathogenic for Inborn genetic diseases. Last evaluated: 2021-01-10. Review status: criteria provided, single submitter. Criteria: Ambry Variant Classification Scheme 2023. Collection method: clinical testing. Allele origin: germline.
Comment: The c.2137C>T (p.R713*) alteration, located in coding exon 5 of the TNRC6B gene, consists of a C to T substitution at nucleotide position 2137. This changes the amino acid from an arginine (R) to a stop codon at amino acid position 713. This alteration is expected to result in loss of function by premature protein truncation or nonsense-mediated mRNA decay. Based on data from the Genome Aggregation Database (gnomAD) database, the TNRC6B c.2137C>T alteration was observed in 0.0004% (1/246150) of total alleles studied. Based on the available evidence, this alteration is classified as pathogenic.

NM_001162501.2(TNRC6B):c.2137C>T (p.Arg713Ter)

Gene: TNRC6B (trinucleotide repeat containing adaptor 6B; plus strand). Cytogenetic location: 22q13.1.
Variant type: single nucleotide variant.
Coding change: c.2137C>T on transcript NM_001162501.2 (MANE Select); coding-DNA position 2137, C replaced by T.
Protein change: p.Arg713Ter; replaces arginine 713 with a stop codon.
Molecular consequence: nonsense. On other transcripts: intron variant (1).
Genome position (GRCh38, 1-based): chr22:40,266,367, C>T. VCF-style: chr22-40266367-C-T. GRCh37 (hg19) VCF-style: chr22-40662371-C-T.
Other names: c.2137C>T, p.Arg713Ter (NM_015088.3); c.566-3755C>T (NM_001024843.2); short protein forms R713*.
Identifiers: ClinVar variation 985172 (VCV000985172.8), dbSNP rs1191287768, ClinGen allele CA411634132.